The following is an entry in ClinVar:

ClinVar aggregate classification (germline): Uncertain significance. Review status: criteria provided, multiple submitters, no conflicts (2 of 4 stars). 2 submissions from 2 submitters: Uncertain significance (2). Last evaluated 2024-11-09.

Conditions:
Ataxia-telangiectasia-like disorder (ATLD). Identifiers: MedGen C1858391, MONDO:0011457.
Hereditary cancer-predisposing syndrome. Also called: Neoplastic Syndromes, Hereditary; Tumor predisposition; Hereditary neoplastic syndrome; Hereditary Cancer Syndrome. Identifiers: Orphanet 140162, MedGen C0027672, MeSH D009386, MONDO:0015356.

Allele frequency attached by ClinVar (database versions not stated): TOPMed below 0.00001; gnomAD 0.00001; gnomAD exomes 0.00001.
gnomAD v4.1: 4 of 1,613,666 alleles (0.00025%); highest among the groups gnomAD compares: Non-Finnish European, 0.00034%; no homozygotes.

Submissions (2):

Ambry Genetics
Classification: Uncertain significance for Hereditary cancer-predisposing syndrome. Last evaluated: 2024-11-09. Review status: criteria provided, single submitter. Criteria: Ambry Variant Classification Scheme 2023. Collection method: clinical testing. Allele origin: germline.

Labcorp Genetics (formerly Invitae), Labcorp
Classification: Uncertain significance for Ataxia-telangiectasia-like disorder. Last evaluated: 2018-01-01. Review status: criteria provided, single submitter. Criteria: Invitae Variant Classification Sherloc (09022015). Collection method: clinical testing. Allele origin: germline.
Comment: In summary, the available evidence is currently insufficient to determine the role of this variant in disease. Therefore, it has been classified as a Variant of Uncertain Significance. Algorithms developed to predict the effect of missense changes on protein structure and function (SIFT, PolyPhen-2, Align-GVGD) all suggest that this variant is likely to be tolerated, but these predictions have not been confirmed by published functional studies and their clinical significance is uncertain. This variant has not been reported in the literature in individuals with MRE11-related disease. This variant is not present in population databases (ExAC no frequency). This sequence change replaces glutamic acid with alanine at codon 423 of the MRE11 protein (p.Glu423Ala). The glutamic acid residue is highly conserved and there is a moderate physicochemical difference between glutamic acid and alanine.

NM_005591.4(MRE11):c.1268A>C (p.Glu423Ala)

Gene: MRE11 (MRE11 double strand break repair nuclease; minus strand). Cytogenetic location: 11q21.
Variant type: single nucleotide variant.
Coding change: c.1268A>C on transcript NM_005591.4 (MANE Select); coding-DNA position 1268, A replaced by C.
Protein change: p.Glu423Ala; replaces glutamic acid 423 with alanine.
Molecular consequence: missense variant.
Genome position (GRCh38, 1-based): chr11:94,460,994, T>G on the plus strand (A>C on the coding strand, the complement: MRE11 is on the minus strand). VCF-style: chr11-94460994-T-G. GRCh37 (hg19) VCF-style: chr11-94194160-T-G.
Other names: c.1268A>C, p.Glu423Ala (NM_001330347.2, NM_005590.4); short protein forms E423A.
Identifiers: ClinVar variation 579332 (VCV000579332.15), dbSNP rs1565221498, ClinGen allele CA382372393.